The following is an entry in ClinVar:

ClinVar aggregate classification (germline): Pathogenic (1 of 4 stars; one submission).

Conditions:
Intellectual disability-facial dysmorphism syndrome due to SETD5 haploinsufficiency (MRD23). Also called: Intellectual developmental disorder, autosomal dominant 23. Identifiers: Orphanet 404440, MedGen C3810406, MONDO:0014336, OMIM 615761.

Submission:

Centro Nacional de Genética Medica, Administración Nacional de Laboratorios e Institutos de Salud (ANLIS) “Dr. Carlos G Malbrán”
Classification: Pathogenic for Intellectual disability-facial dysmorphism syndrome due to SETD5 haploinsufficiency. Last evaluated: 2026-06-02. Review status: criteria provided, single submitter. Criteria: ACMG Guidelines, 2015. Collection method: clinical testing. Allele origin: germline. Affected: yes. Observed: 1 variant allele, 1 heterozygote.
Comment: The SETD5 variant NM_001080517.3:c.1655del affects a canonical splice donor site in intron 16. The SETD5 gene (OMIM 615743), located on chromosome 3p25.3, encodes a SET domain-containing protein that functions as a transcriptional regulator through its involvement in chromatin remodeling. SETD5 belongs to the family of SET domain proteins, which are involved in histone methylation and epigenetic regulation of gene expression. Histone methylation is a critical mechanism controlling cellular processes such as cell cycle progression, development, and differentiation (PMID: 36875494). SETD5 is believed to play an essential role in neurodevelopment, and pathogenic variants in this gene have been associated with autosomal dominant intellectual developmental disorder 23 (OMIM 615761), characterized by intellectual disability, developmental delay, behavioral abnormalities, and variable dysmorphic features (PMID: 31474762; PMID: 23020937). The SETD5 variant NM_001080517.3:c.1655del was identified in heterozygosity in exon 14 of 23 of the canonical transcript NM_001080517.3 (ENST00000402198). This deletion results in a frameshift predicted to cause the protein change p.Thr552Ilefs*34. The frameshift begins at codon 552, replacing threonine with isoleucine and introducing a premature termination codon 34 amino acids downstream. Variants of this type are expected to result in nonsense-mediated mRNA decay (NMD), leading to loss of protein production (PMID: 16757948; PMID: 17352659). SETD5 is a haploinsufficient gene, and loss-of-function is an established disease mechanism (PVS1). Numerous pathogenic loss-of-function variants have been reported in affected individuals, including 169 null variants currently listed in ClinVar, 19 of which are located in exon 14 (PMID: 25138099; PMID: 24680889). The variant is absent from population databases, including gnomAD, ExAC, and the 1000 Genomes Project (PM2_supporting). Furthermore, the clinical manifestations observed in the patient are highly consistent with the phenotypic spectrum associated with pathogenic SETD5 variants (PP4). Based on the available evidence, including the predicted loss-of-function effect, absence from population databases, segregation with disease within the family, and the highly specific phenotype, this variant is classified as Pathogenic according to ACMG/AMP guidelines (PVS1, PP1, PM2_supporting, PP4).

Literature cited by the submitters: PubMed 36875494; PubMed 31474762; PubMed 23020937; PubMed 16757948; PubMed 17352659; PubMed 25138099; PubMed 24680889.

NM_001080517.3(SETD5):c.1655del (p.Thr552fs)

Gene: SETD5 (SET domain containing 5; plus strand). Cytogenetic location: 3p25.3.
Variant type: Deletion.
Coding change: c.1655del on transcript NM_001080517.3 (MANE Select); coding-DNA position 1655, one base deleted (C; older notation c.1655delC).
Protein change: p.Thr552fs; shifts the reading frame from threonine 552.
Molecular consequence: frameshift variant.
Genome position (GRCh38, 1-based): chr3:9,447,180, C deleted. VCF-style (leftmost placement, unchanged base first): chr3-9447179-AC-A. GRCh37 (hg19) VCF-style: chr3-9488863-AC-A.
Other names: c.1361del, p.Thr454fs (NM_001292043.2, NM_001349451.2); c.1751del, p.Thr584fs (NM_001437633.1); c.1712del, p.Thr571fs (NM_001437635.1); c.1655del, p.Thr552fs (NM_001437643.1); c.1694del, p.Thr565fs (NM_001437701.1); short protein forms T454fs, T552fs, T565fs, T571fs, T584fs.
Identifiers: ClinVar variation 4856392 (VCV004856392.1).